The following is an entry in ClinVar:

NM_000380.4(XPA):c.464del (p.Asp154_Leu155insTer)

Gene: XPA (XPA, DNA damage recognition and repair factor; minus strand). Cytogenetic location: 9q22.33.
Variant type: Deletion.
Coding change: c.464del on transcript NM_000380.4 (MANE Select); coding-DNA position 464, one base deleted (T; older notation c.464delT).
Protein change: p.Asp154_Leu155insTer.
Molecular consequence: nonsense. On other transcripts: non-coding transcript variant (4).
Genome position (GRCh38, 1-based): chr9:97,687,187, A deleted on the plus strand (T on the coding strand, the reverse complement: XPA is on the minus strand); the first of 3 consecutive A bases (chr9:97,687,187-97,687,189); deleting any one gives the same sequence. VCF-style (leftmost placement, unchanged base first): chr9-97687186-TA-T. GRCh37 (hg19) VCF-style: chr9-100449468-TA-T.
Other names: c.338del, p.Asp112_Leu113insTer (NM_001354975.2).
Identifiers: ClinVar variation 4763826 (VCV004763826.1).

ClinVar aggregate classification (germline): Pathogenic (1 of 4 stars; one submission).

Submission:

Labcorp Genetics (formerly Invitae), Labcorp
Classification: Pathogenic. Last evaluated: 2025-12-14. Review status: criteria provided, single submitter. Criteria: Invitae Variant Classification Sherloc (09022015). Collection method: clinical testing. Allele origin: germline.
Comment: This sequence change creates a premature translational stop signal (p.Leu155*) in the XPA gene. It is expected to result in an absent or disrupted protein product. Loss-of-function variants in XPA are known to be pathogenic (PMID: 27607234). This variant is not present in population databases (gnomAD no frequency). This variant has not been reported in the literature in individuals affected with XPA-related conditions. Algorithms developed to predict the effect of sequence changes on RNA splicing suggest that this variant may disrupt the consensus splice site. For these reasons, this variant has been classified as Pathogenic.

Literature cited by the submitters: PubMed 27607234.